The following is an entry in ClinVar:

ClinVar aggregate classification (germline): Uncertain significance (1 of 4 stars; one submission).

Submission:

GeneDx
Classification: Uncertain significance. Last evaluated: 2019-10-19. Review status: criteria provided, single submitter. Criteria: GeneDx Variant Classification Process June 2021. Collection method: clinical testing. Allele origin: germline. Affected: yes.
Comment: Not observed in large population cohorts (Lek et al., 2016); In silico analysis, which includes protein predictors and evolutionary conservation, supports that this variant does not alter protein structure/function; Has not been previously published as pathogenic or benign to our knowledge

NM_001069.3(TUBB2A):c.161C>A (p.Ala54Asp)

Gene: TUBB2A (tubulin beta 2A class IIa; minus strand). Cytogenetic location: 6p25.2.
Variant type: single nucleotide variant.
Coding change: c.161C>A on transcript NM_001069.3 (MANE Select); coding-DNA position 161, C replaced by A.
Protein change: p.Ala54Asp; replaces alanine 54 with aspartic acid.
Molecular consequence: missense variant. On other transcripts: 5 prime UTR variant (1).
Genome position (GRCh38, 1-based): chr6:3,156,049, G>T on the plus strand (C>A on the coding strand, the complement: TUBB2A is on the minus strand). VCF-style: chr6-3156049-G-T. GRCh37 (hg19) VCF-style: chr6-3156283-G-T.
Other names: c.-227C>A (NM_001310315.2); short protein forms A54D.
Identifiers: ClinVar variation 973090 (VCV000973090.4), dbSNP rs1762626578, ClinGen allele CA362593389.
Genomic context (GRCh38, chr6:3,156,049, plus strand): 5'-ATCTCCCACATCATGGAAAGCAAGGATTCCTGGGCACACACATCCCGCTACTCACCAGCA[G>T]CCTCATTGTAGTACACGTTGATTCTCTCCAGCTGCAAGTCACTGTCTCCATGGTAACTGC-3'
Protein context (NP_001060.1, residues 44-64): LERINVYYNE[Ala54Asp]AGNKYVPRAI